The following is an entry in ClinVar:

ClinVar aggregate classification (germline): Benign. Review status: criteria provided, multiple submitters, no conflicts (2 of 4 stars). 10 submissions from 10 submitters: Benign (7). 3 of the submissions do not count toward it. Last evaluated 2026-02-04.

Conditions:
Congenital myasthenic syndrome 5. Identifiers: Orphanet 590, MedGen C1864233, MONDO:0011281, OMIM 603034.

Allele frequency attached by ClinVar (database versions not stated): 1000 Genomes Project 0.01518; 1000 Genomes Project 30x 0.01593; gnomAD 0.02369 and 0.02373; gnomAD exomes 0.02411 and 0.03123; TOPMed 0.02428; ESP Exome Variant Server 0.02706; ExAC 0.02975.
gnomAD v4.1: 49,248 of 1,612,056 alleles (3.1%); highest among the groups gnomAD compares: Middle Eastern, 5.1%; 870 homozygotes.

Submissions (10):

Labcorp Genetics (formerly Invitae), Labcorp
Classification: Benign for Congenital myasthenic syndrome 5. Last evaluated: 2026-02-04. Review status: criteria provided, single submitter. Criteria: Invitae Variant Classification Sherloc (09022015). Collection method: clinical testing. Allele origin: germline.

Mayo Clinic Laboratories, Mayo Clinic
Classification: Benign. Last evaluated: 2022-12-23. Review status: criteria provided, single submitter. Criteria: ACMG Guidelines, 2015. Collection method: clinical testing. Allele origin: germline. Observed: 20 variant alleles.
Comment: BS1, BS2, BP4, BP7

Athena Diagnostics
Classification: Benign. Last evaluated: 2020-11-06. Review status: criteria provided, single submitter. Criteria: Athena Diagnostics criteria. Collection method: clinical testing. Allele origin: unknown.

Illumina Laboratory Services, Illumina
Classification: Benign for Congenital myasthenic syndrome 5. Last evaluated: 2018-01-12. Review status: criteria provided, single submitter. Criteria: ICSL Variant Classification Criteria 13 December 2019. Collection method: clinical testing. Allele origin: germline.
Comment: This variant was observed in the ICSL laboratory as part of a predisposition screen in an ostensibly healthy population. It had not been previously curated by ICSL or reported in the Human Gene Mutation Database (HGMD: prior to June 1st, 2018), and was therefore a candidate for classification through an automated scoring system. Utilizing variant allele frequency, disease prevalence and penetrance estimates, and inheritance mode, an automated score was calculated to assess if this variant is too frequent to cause the disease. Based on the score and internal cut-off values, a variant classified as benign is not then subjected to further curation. The score for this variant resulted in a classification of benign for this disease.

GeneDx
Classification: Benign. Last evaluated: 2017-01-10. Review status: criteria provided, single submitter. Criteria: GeneDx Variant Classification (06012015). Collection method: clinical testing. Allele origin: germline. Affected: yes.
Comment: This variant is considered likely benign or benign based on one or more of the following criteria: it is a conservative change, it occurs at a poorly conserved position in the protein, it is predicted to be benign by multiple in silico algorithms, and/or has population frequency not consistent with disease.

Breakthrough Genomics
Classification: Benign. Review status: criteria provided, single submitter. Criteria: ACMG Guidelines, 2015. Collection method: not provided. Allele origin: germline. Inheritance: Autosomal recessive inheritance. Affected: yes.

PreventionGenetics, part of Exact Sciences
Classification: Benign. Review status: criteria provided, single submitter. Criteria: ACMG Guidelines, 2015. Collection method: clinical testing. Allele origin: germline.

Genetic Services Laboratory, University of Chicago
Classification: Likely benign for AllHighlyPenetrant. Review status: no assertion criteria provided. Collection method: clinical testing. Allele origin: germline. Inheritance: Autosomal recessive inheritance. Not counted in ClinVar's aggregate classification.
Comment: Likely benign based on allele frequency in 1000 Genomes Project or ESP global frequency and its presence in a patient with a rare or unrelated disease phenotype. NOT Sanger confirmed.

Joint Genome Diagnostic Labs from Nijmegen and Maastricht, Radboudumc and MUMC+
Classification: Benign. Review status: no assertion criteria provided. Collection method: clinical testing. Allele origin: germline. Affected: yes. Study: VKGL Data-share Consensus. Not counted in ClinVar's aggregate classification.

Laboratory of Diagnostic Genome Analysis, Leiden University Medical Center (LUMC)
Classification: Likely benign. Review status: no assertion criteria provided. Collection method: clinical testing. Allele origin: germline. Affected: yes. Study: VKGL Data-share Consensus. Not counted in ClinVar's aggregate classification.

NM_005677.4(COLQ):c.1248C>T (p.Asp416=)

Gene: COLQ (collagen like tail subunit of asymmetric acetylcholinesterase; minus strand). Cytogenetic location: 3p25.1.
Variant type: single nucleotide variant.
Coding change: c.1248C>T on transcript NM_005677.4 (MANE Select); coding-DNA position 1248, C replaced by T.
Protein change: p.Asp416=; no amino-acid change (aspartic acid 416 retained).
Molecular consequence: synonymous variant.
Genome position (GRCh38, 1-based): chr3:15,453,879, G>A on the plus strand (C>T on the coding strand, the complement: COLQ is on the minus strand). VCF-style: chr3-15453879-G-A. GRCh37 (hg19) VCF-style: chr3-15495386-G-A.
Other names: p.Asp416=; c.1218C>T, p.Asp406= (NM_080538.2); c.1146C>T, p.Asp382= (NM_080539.4).
Identifiers: ClinVar variation 128825 (VCV000128825.25), dbSNP rs55866379, ClinGen allele CA152475.